The following is an entry in ClinVar:

ClinVar aggregate classification (germline): Uncertain significance (1 of 4 stars; one submission).

Conditions:
Cryptosporidiosis-chronic cholangitis-liver disease syndrome. Also called: Immunodeficiency type 56; IL21R immunodeficiency. Identifiers: Orphanet 357329, MedGen C3554687, MONDO:0014082, OMIM 615207.

Allele frequency attached by ClinVar (database versions not stated): gnomAD exomes below 0.00001 and 0.00001; TOPMed 0.00001; ExAC 0.00002; ESP Exome Variant Server 0.00008.

Submission:

Labcorp Genetics (formerly Invitae), Labcorp
Classification: Uncertain significance for Cryptosporidiosis-chronic cholangitis-liver disease syndrome. Last evaluated: 2024-10-29. Review status: criteria provided, single submitter. Criteria: Invitae Variant Classification Sherloc (09022015). Collection method: clinical testing. Allele origin: germline.
Comment: This sequence change replaces arginine, which is basic and polar, with histidine, which is basic and polar, at codon 521 of the IL21R protein (p.Arg521His). This variant is present in population databases (rs372897692, gnomAD 0.003%). This variant has not been reported in the literature in individuals affected with IL21R-related conditions. ClinVar contains an entry for this variant (Variation ID: 844626). Invitae Evidence Modeling of protein sequence and biophysical properties (such as structural, functional, and spatial information, amino acid conservation, physicochemical variation, residue mobility, and thermodynamic stability) indicates that this missense variant is expected to disrupt IL21R protein function with a positive predictive value of 80%. In summary, the available evidence is currently insufficient to determine the role of this variant in disease. Therefore, it has been classified as a Variant of Uncertain Significance.

NM_181078.3(IL21R):c.1562G>A (p.Arg521His)

Genes: IL21R (interleukin 21 receptor; plus strand), IL21R-AS1 (IL21R antisense RNA 1; minus strand), LOC130058713 (ATAC-STARR-seq lymphoblastoid active region 10627; plus strand). Cytogenetic location: 16p12.1.
Variant type: single nucleotide variant.
Coding change: c.1562G>A on transcript NM_181078.3 (MANE Select); coding-DNA position 1562, G replaced by A.
Protein change: p.Arg521His; replaces arginine 521 with histidine.
Molecular consequence: missense variant. On other transcripts: non-coding transcript variant (1).
Genome position (GRCh38, 1-based): chr16:27,449,228, G>A. VCF-style: chr16-27449228-G-A. GRCh37 (hg19) VCF-style: chr16-27460549-G-A.
Other names: c.1562G>A, p.Arg521His (NM_021798.4); c.1628G>A, p.Arg543His (NM_181079.5); short protein forms R543H, R521H.
Identifiers: ClinVar variation 844626 (VCV000844626.10), dbSNP rs372897692, ClinGen allele CA7975229.